The following is an entry in ClinVar:

ClinVar aggregate classification (germline): Conflicting classifications of pathogenicity. Review status: criteria provided, conflicting classifications (1 of 4 stars). 4 submissions from 3 submitters: Uncertain significance (1); Benign (2); Likely benign (1). Last evaluated 2025-10-08.

Conditions:
Cardiovascular phenotype. Identifiers: MedGen CN230736.
Tangier disease (TGD). Also called: HIGH DENSITY LIPOPROTEIN DEFICIENCY, TANGIER TYPE; HIGH DENSITY LIPOPROTEIN DEFICIENCY, TYPE 1; Cholesterol thesaurismosis. Identifiers: Orphanet 31150, MedGen C0039292, MONDO:0008783, OMIM 205400.
Hypoalphalipoproteinemia, primary, 1. Identifiers: Orphanet 425, MedGen C5231558, MONDO:0011393, OMIM 604091.

Allele frequency attached by ClinVar (database versions not stated): gnomAD exomes 0.00001 and 0.00003; ExAC 0.00003; gnomAD 0.00009 and 0.00010; TOPMed 0.00010; ESP Exome Variant Server 0.00023.
gnomAD v4.1: 28 of 1,613,650 alleles (0.0017%); highest among the groups gnomAD compares: African/African-American, 0.029%; no homozygotes.

Submissions (4):

Labcorp Genetics (formerly Invitae), Labcorp
Classification: Benign. Last evaluated: 2025-10-08. Review status: criteria provided, single submitter. Criteria: Invitae Variant Classification Sherloc (09022015). Collection method: clinical testing. Allele origin: germline.

Ambry Genetics
Classification: Likely benign for Cardiovascular phenotype. Last evaluated: 2022-07-10. Review status: criteria provided, single submitter. Criteria: Ambry Variant Classification Scheme 2023. Collection method: clinical testing. Allele origin: germline.

Illumina Laboratory Services, Illumina
Classification: Uncertain significance for Tangier disease. Last evaluated: 2018-01-13. Review status: criteria provided, single submitter. Criteria: ICSL Variant Classification Criteria 13 December 2019. Collection method: clinical testing. Allele origin: germline.

Illumina Laboratory Services, Illumina
Classification: Benign for Hypoalphalipoproteinemia, primary, 1. Last evaluated: 2018-01-13. Review status: criteria provided, single submitter. Criteria: ICSL Variant Classification Criteria 13 December 2019. Collection method: clinical testing. Allele origin: germline.
Comment: This variant was observed in the ICSL laboratory as part of a predisposition screen in an ostensibly healthy population. It had not been previously curated by ICSL or reported in the Human Gene Mutation Database (HGMD: prior to June 1st, 2018), and was therefore a candidate for classification through an automated scoring system. Utilizing variant allele frequency, disease prevalence and penetrance estimates, and inheritance mode, an automated score was calculated to assess if this variant is too frequent to cause the disease. Based on the score and internal cut-off values, a variant classified as benign is not then subjected to further curation. The score for this variant resulted in a classification of benign for this disease.

NM_005502.4(ABCA1):c.4764T>C (p.Asn1588=)

Gene: ABCA1 (ATP binding cassette subfamily A member 1; minus strand). Cytogenetic location: 9q31.1.
Variant type: single nucleotide variant.
Coding change: c.4764T>C on transcript NM_005502.4 (MANE Select); coding-DNA position 4764, T replaced by C.
Protein change: p.Asn1588=; no amino-acid change (asparagine 1588 retained).
Molecular consequence: synonymous variant.
Genome position (GRCh38, 1-based): chr9:104,800,519, A>G on the plus strand (T>C on the coding strand, the complement: ABCA1 is on the minus strand). VCF-style: chr9-104800519-A-G. GRCh37 (hg19) VCF-style: chr9-107562800-A-G.
Identifiers: ClinVar variation 913166 (VCV000913166.9), dbSNP rs9282547, ClinGen allele CA5168027.